The following is an entry in ClinVar:

ClinVar aggregate classification (germline): Uncertain significance (1 of 4 stars; one submission).

Conditions:
Emery-Dreifuss muscular dystrophy (EDMD). Also called: Scapuloperoneal syndrome, X-linked (formerly); Humeroperoneal neuromuscular disease, (formerly). Identifiers: Orphanet 261, MedGen C0410189, MONDO:0016830.

Submission:

Labcorp Genetics (formerly Invitae), Labcorp
Classification: Uncertain significance for Emery-Dreifuss muscular dystrophy. Last evaluated: 2023-12-23. Review status: criteria provided, single submitter. Criteria: Invitae Variant Classification Sherloc (09022015). Collection method: clinical testing. Allele origin: germline.
Comment: This sequence change replaces alanine, which is neutral and non-polar, with valine, which is neutral and non-polar, at codon 647 of the SUN2 protein (p.Ala647Val). This variant is not present in population databases (gnomAD no frequency). This variant has not been reported in the literature in individuals affected with SUN2-related conditions. An algorithm developed to predict the effect of missense changes on protein structure and function (PolyPhen-2) suggests that this variant is likely to be tolerated. In summary, the available evidence is currently insufficient to determine the role of this variant in disease. Therefore, it has been classified as a Variant of Uncertain Significance.

NM_015374.3(SUN2):c.1940C>T (p.Ala647Val)

Genes: GTPBP1 (GTP binding protein 1; plus strand), SUN2 (Sad1 and UNC84 domain containing 2; minus strand). Cytogenetic location: 22q13.1.
Variant type: single nucleotide variant.
Coding change: c.1940C>T on transcript NM_015374.3 (MANE Select); coding-DNA position 1940, C replaced by T.
Protein change: p.Ala647Val; replaces alanine 647 with valine.
Molecular consequence: missense variant.
Genome position (GRCh38, 1-based): chr22:38,738,594, G>A on the plus strand (C>T on the coding strand, the complement: SUN2 is on the minus strand). VCF-style: chr22-38738594-G-A. GRCh37 (hg19) VCF-style: chr22-39134599-G-A.
Other names: c.2003C>T, p.Ala668Val (NM_001199579.2, NM_001394428.1); c.1940C>T, p.Ala647Val (NM_001199580.2, NM_001394431.1, NM_001394432.1 and 3 more transcripts); c.2033C>T, p.Ala678Val (NM_001394427.1); c.1985C>T, p.Ala662Val (NM_001394429.1, NM_001394430.1); c.1937C>T, p.Ala646Val (NM_001394436.1, NM_001394437.1); c.1850C>T, p.Ala617Val (NM_001394438.1); c.1802C>T, p.Ala601Val (NM_001394439.1, NM_001394440.1, NM_001394441.1); c.1541C>T, p.Ala514Val (NM_001394442.1); and 2 more; short protein forms A601V, A668V, A678V, A617V, A646V, A647V, A455V, A483V.
Identifiers: ClinVar variation 2758720 (VCV002758720.3), dbSNP rs2517957059, ClinGen allele CA411583206.
Genomic context (GRCh38, chr22:38,738,594, plus strand): 5'-CCCACAGGATCCCCCTGCAGCCCCTCTGGCCCCACCACAGGACAGATACTCACAAAGATG[G>A]CGAAGTCCTTGGGGGCACTGGAGATAGTGCTGTTGGGTGACAAGGCCTTGGGCACATGCT-3'
Protein context (NP_056189.1, residues 637-657): STISSAPKDF[Ala647Val]IFGFDEDLQQ